The following is an entry in ClinVar:

NM_001371596.2(MFSD8):c.1350+1G>A

Gene: MFSD8 (major facilitator superfamily domain containing 8; minus strand). Cytogenetic location: 4q28.2.
Variant type: single nucleotide variant.
Coding change: c.1350+1G>A on transcript NM_001371596.2 (MANE Select); the canonical splice donor site of the intron after coding-DNA position 1350, G replaced by A.
Molecular consequence: splice donor variant. On other transcripts: missense variant (1), 3 prime UTR variant (1).
Genome position (GRCh38, 1-based): chr4:127,921,523, C>T on the plus strand (G>A on the coding strand, the complement: MFSD8 is on the minus strand). VCF-style: chr4-127921523-C-T. GRCh37 (hg19) VCF-style: chr4-128842678-C-T.
Other names: c.1351G>A, p.Val451Ile (NM_001371591.2); c.*236G>A (NM_001410766.1); c.1068+1G>A (NM_001371595.1); c.900+1G>A (NM_001410765.1); c.1215+1G>A (NM_001371590.2); c.1350+1G>A (NM_152778.4); c.1035+1G>A (NM_001363521.3); c.1236+1G>A (NM_001371593.2); and 3 more; short protein forms V451I.
Identifiers: ClinVar variation 2189704 (VCV002189704.4), dbSNP rs1736332603, ClinGen allele CA358170886.

ClinVar aggregate classification (germline): Pathogenic (1 of 4 stars; one submission).

Conditions:
Neuronal ceroid lipofuscinosis 7 (CLN7). Also called: MFSD8-Related Neuronal Ceroid-Lipofuscinosis. Identifiers: Orphanet 168491, Orphanet 228366, MedGen C1838571, MONDO:0012588, OMIM 610951.

Allele frequency attached by ClinVar (database versions not stated): gnomAD exomes below 0.00001; TOPMed below 0.00001.
gnomAD v4.1: 2 of 1,614,140 alleles (0.00012%); highest among the groups gnomAD compares: Non-Finnish European, 0.00017%; no homozygotes.

Submission:

Labcorp Genetics (formerly Invitae), Labcorp
Classification: Pathogenic for Neuronal ceroid lipofuscinosis 7. Last evaluated: 2025-03-16. Review status: criteria provided, single submitter. Criteria: Invitae Variant Classification Sherloc (09022015). Collection method: clinical testing. Allele origin: germline.
Comment: This sequence change affects a donor splice site in intron 12 of the MFSD8 gene. While this variant is not anticipated to result in nonsense mediated decay, it likely alters RNA splicing and results in a disrupted protein product. This variant is not present in population databases (gnomAD no frequency). This variant has not been reported in the literature in individuals affected with MFSD8-related conditions. ClinVar contains an entry for this variant (Variation ID: 2189704). Variants that disrupt the consensus splice site are a relatively common cause of aberrant splicing (PMID: 17576681, 9536098). Algorithms developed to predict the effect of sequence changes on RNA splicing suggest that this variant may disrupt the consensus splice site. This variant disrupts a region of the MFSD8 protein in which other variant(s) (p.Arg482*) have been determined to be pathogenic (PMID: 9177532, 25976102, 28708303; internal data). This suggests that this is a clinically significant region of the protein, and that variants that disrupt it are likely to be disease-causing. For these reasons, this variant has been classified as Pathogenic.

Literature cited by the submitters: PubMed 17576681; PubMed 9536098; PubMed 9177532; PubMed 25976102; PubMed 28708303.